The following is an entry in ClinVar:

ClinVar aggregate classification (germline): Uncertain significance (1 of 4 stars; one submission).

gnomAD v4.1: 1 of 1,614,252 alleles (0.000062%); highest among the groups gnomAD compares: Non-Finnish European, 0.000085%; no homozygotes.

Submission:

Labcorp Genetics (formerly Invitae), Labcorp
Classification: Uncertain significance. Last evaluated: 2025-11-15. Review status: criteria provided, single submitter. Criteria: Invitae Variant Classification Sherloc (09022015). Collection method: clinical testing. Allele origin: germline.
Comment: This sequence change replaces leucine, which is neutral and non-polar, with arginine, which is basic and polar, at codon 1077 of the MYH3 protein (p.Leu1077Arg). This variant is not present in population databases (gnomAD no frequency). This variant has not been reported in the literature in individuals affected with MYH3-related conditions. Invitae Evidence Modeling of protein sequence and biophysical properties (such as structural, functional, and spatial information, amino acid conservation, physicochemical variation, residue mobility, and thermodynamic stability) indicates that this missense variant is not expected to disrupt MYH3 protein function with a negative predictive value of 95%. In summary, the available evidence is currently insufficient to determine the role of this variant in disease. Therefore, it has been classified as a Variant of Uncertain Significance.

NM_002470.4(MYH3):c.3230T>G (p.Leu1077Arg)

Gene: MYH3 (myosin heavy chain 3; minus strand). Cytogenetic location: 17p13.1.
Variant type: single nucleotide variant.
Coding change: c.3230T>G on transcript NM_002470.4 (MANE Select); coding-DNA position 3230, T replaced by G.
Protein change: p.Leu1077Arg; replaces leucine 1077 with arginine.
Molecular consequence: missense variant.
Genome position (GRCh38, 1-based): chr17:10,639,062, A>C on the plus strand (T>G on the coding strand, the complement: MYH3 is on the minus strand). VCF-style: chr17-10639062-A-C. GRCh37 (hg19) VCF-style: chr17-10542379-A-C.
Other names: short protein forms L1077R.
Identifiers: ClinVar variation 4704838 (VCV004704838.1).
Genomic context (GRCh38, chr17:10,639,062, plus strand): 5'-ACAGTAACTTGCAAAATGGAAGCCAGTGGTTGAAGGGCATACTTCTTGAGCCTTTCGTCC[A>C]GCTGTTGCTTGTCATTCTCCAGATCTAATATGGACTCTTGAGCAAGCTTCAAGTCTCCTT-3'
Protein context (NP_002461.2, residues 1067-1087): ILDLENDKQQ[Leu1077Arg]DERLKKKDFE